The following is an entry in ClinVar:

ClinVar aggregate classification (germline): Likely pathogenic (1 of 4 stars; one submission).

Allele frequency attached by ClinVar (database versions not stated): TOPMed 0.00001.
gnomAD v4.1: 1 of 1,614,168 alleles (0.000062%); highest among the groups gnomAD compares: Non-Finnish European, 0.000085%; no homozygotes.

Submission:

GeneDx
Classification: Likely pathogenic. Last evaluated: 2023-01-30. Review status: criteria provided, single submitter. Criteria: GeneDx Variant Classification Process June 2021. Collection method: clinical testing. Allele origin: germline. Affected: yes.
Comment: Not observed at significant frequency in large population cohorts (gnomAD); In silico analysis supports that this missense variant has a deleterious effect on protein structure/function; Has not been previously published as pathogenic or benign to our knowledge

NM_182641.4(BPTF):c.6116C>T (p.Thr2039Ile)

Gene: BPTF (bromodomain PHD finger transcription factor; plus strand). Cytogenetic location: 17q24.2.
Variant type: single nucleotide variant.
Coding change: c.6116C>T on transcript NM_182641.4 (MANE Select); coding-DNA position 6116, C replaced by T.
Protein change: p.Thr2039Ile; replaces threonine 2039 with isoleucine.
Molecular consequence: missense variant.
Genome position (GRCh38, 1-based): chr17:67,929,453, C>T. VCF-style: chr17-67929453-C-T. GRCh37 (hg19) VCF-style: chr17-65925569-C-T.
Other names: c.6494C>T, p.Thr2165Ile (NM_004459.7); short protein forms T2039I, T2165I.
Identifiers: ClinVar variation 2573666 (VCV002573666.1), dbSNP rs199611735, ClinGen allele CA293250949.